The following is an entry in ClinVar:

NM_018943.3(TUBA8):c.818C>A (p.Ala273Glu)

Gene: TUBA8 (tubulin alpha 8; plus strand). Cytogenetic location: 22q11.21.
Variant type: single nucleotide variant.
Coding change: c.818C>A on transcript NM_018943.3 (MANE Select); coding-DNA position 818, C replaced by A.
Protein change: p.Ala273Glu; replaces alanine 273 with glutamic acid.
Molecular consequence: missense variant.
Genome position (GRCh38, 1-based): chr22:18,126,796, C>A. VCF-style: chr22-18126796-C-A. GRCh37 (hg19) VCF-style: chr22-18609563-C-A.
Other names: c.620C>A, p.Ala207Glu (NM_001193414.2); short protein forms A207E, A273E.
Identifiers: ClinVar variation 1469674 (VCV001469674.6), dbSNP rs752891255, ClinGen allele CA410264405.

ClinVar aggregate classification (germline): Uncertain significance (1 of 4 stars; one submission).

Submission:

Labcorp Genetics (formerly Invitae), Labcorp
Classification: Uncertain significance. Last evaluated: 2023-05-22. Review status: criteria provided, single submitter. Criteria: Invitae Variant Classification Sherloc (09022015). Collection method: clinical testing. Allele origin: germline.
Comment: ClinVar contains an entry for this variant (Variation ID: 1469674). This sequence change replaces alanine, which is neutral and non-polar, with glutamic acid, which is acidic and polar, at codon 273 of the TUBA8 protein (p.Ala273Glu). This variant is not present in population databases (gnomAD no frequency). This variant has not been reported in the literature in individuals affected with TUBA8-related conditions. Advanced modeling of protein sequence and biophysical properties (such as structural, functional, and spatial information, amino acid conservation, physicochemical variation, residue mobility, and thermodynamic stability) performed at Invitae indicates that this missense variant is expected to disrupt TUBA8 protein function. In summary, the available evidence is currently insufficient to determine the role of this variant in disease. Therefore, it has been classified as a Variant of Uncertain Significance.